The following is an entry in ClinVar:

ClinVar aggregate classification (germline): Uncertain significance (1 of 4 stars; one submission).

Allele frequency attached by ClinVar (database versions not stated): gnomAD exomes below 0.00001 and 0.00002; gnomAD 0.00001; ExAC 0.00002.
gnomAD v4.1: 33 of 1,609,384 alleles (0.0021%); highest among the groups gnomAD compares: Non-Finnish European, 0.0025%; no homozygotes.

Submission:

Labcorp Genetics (formerly Invitae), Labcorp
Classification: Uncertain significance. Last evaluated: 2021-04-23. Review status: criteria provided, single submitter. Criteria: Invitae Variant Classification Sherloc (09022015). Collection method: clinical testing. Allele origin: germline.
Comment: This sequence change affects codon 2985 of the ASPM mRNA. It is a 'silent' change, meaning that it does not change the encoded amino acid sequence of the ASPM protein. This variant is present in population databases (rs765715567, ExAC 0.01%). This variant has not been reported in the literature in individuals with ASPM-related conditions. Algorithms developed to predict the effect of sequence changes on RNA splicing suggest that this variant may create or strengthen a splice site, but this prediction has not been confirmed by published transcriptional studies. In summary, the available evidence is currently insufficient to determine the role of this variant in disease. Therefore, it has been classified as a Variant of Uncertain Significance.

NM_018136.5(ASPM):c.8955A>G (p.Gln2985=)

Gene: ASPM (assembly factor for spindle microtubules; minus strand). Cytogenetic location: 1q31.3.
Variant type: single nucleotide variant.
Coding change: c.8955A>G on transcript NM_018136.5 (MANE Select); coding-DNA position 8955, A replaced by G.
Protein change: p.Gln2985=; no amino-acid change (glutamine 2985 retained).
Molecular consequence: synonymous variant.
Genome position (GRCh38, 1-based): chr1:197,096,030, T>C on the plus strand (A>G on the coding strand, the complement: ASPM is on the minus strand). VCF-style: chr1-197096030-T-C. GRCh37 (hg19) VCF-style: chr1-197065160-T-C.
Other names: c.4200A>G, p.Gln1400= (NM_001206846.2).
Identifiers: ClinVar variation 1500122 (VCV001500122.8), dbSNP rs765715567, ClinGen allele CA1309105.
Genomic context (GRCh38, chr1:197,096,030, plus strand): 5'-CACTCTCCACAGAACTATGATACATTACCGTGTTCTCTCTAGTTTGGTATAGAAGCAACC[T>C]TGAATAATTTTAACAGCTTTTAATATAGCTAGATATTCTTTGTGTGCTCTCCAACATCTA-3'
Protein context (NP_060606.3, residues 2975-2995): LAILKAVKII[Gln2985=]GCFYTKLERT